The following is an entry in ClinVar:

NM_001029883.3(PCARE):c.1013C>G (p.Pro338Arg)

Gene: PCARE (photoreceptor cilium actin regulator; minus strand). Cytogenetic location: 2p23.2.
Variant type: single nucleotide variant.
Coding change: c.1013C>G on transcript NM_001029883.3 (MANE Select); coding-DNA position 1013, C replaced by G.
Protein change: p.Pro338Arg; replaces proline 338 with arginine.
Molecular consequence: missense variant.
Genome position (GRCh38, 1-based): chr2:29,073,249, G>C on the plus strand (C>G on the coding strand, the complement: PCARE is on the minus strand). VCF-style: chr2-29073249-G-C. GRCh37 (hg19) VCF-style: chr2-29296115-G-C.
Other names: short protein forms P338R.
Identifiers: ClinVar variation 1495785 (VCV001495785.4), dbSNP rs1205256009, ClinGen allele CA346481083.

ClinVar aggregate classification (germline): Uncertain significance (1 of 4 stars; one submission).

Allele frequency attached by ClinVar (database versions not stated): gnomAD 0.00001.
gnomAD v4.1: 2 of 1,613,884 alleles (0.00012%); no homozygotes.

Submission:

Labcorp Genetics (formerly Invitae), Labcorp
Classification: Uncertain significance. Last evaluated: 2023-05-16. Review status: criteria provided, single submitter. Criteria: Invitae Variant Classification Sherloc (09022015). Collection method: clinical testing. Allele origin: germline.
Comment: In summary, the available evidence is currently insufficient to determine the role of this variant in disease. Therefore, it has been classified as a Variant of Uncertain Significance. An algorithm developed to predict the effect of missense changes on protein structure and function (PolyPhen-2) suggests that this variant is likely to be disruptive. ClinVar contains an entry for this variant (Variation ID: 1495785). This variant has not been reported in the literature in individuals affected with PCARE-related conditions. This variant is not present in population databases (gnomAD no frequency). This sequence change replaces proline, which is neutral and non-polar, with arginine, which is basic and polar, at codon 338 of the PCARE protein (p.Pro338Arg).